The following is an entry in ClinVar:

NM_000166.6(GJB1):c.704T>G (p.Phe235Cys)

Gene: GJB1 (gap junction protein beta 1; plus strand). Cytogenetic location: Xq13.1.
Variant type: single nucleotide variant.
Coding change: c.704T>G on transcript NM_000166.6 (MANE Select); coding-DNA position 704, T replaced by G.
Protein change: p.Phe235Cys; replaces phenylalanine 235 with cysteine.
Molecular consequence: missense variant.
Genome position (GRCh38, 1-based): chrX:71,224,411, T>G. VCF-style: chrX-71224411-T-G. GRCh37 (hg19) VCF-style: chrX-70444261-T-G.
Other names: c.704T>G, p.Phe235Cys (NM_001097642.3); short protein forms F235C.
Identifiers: ClinVar variation 10450 (VCV000010450.28), dbSNP rs104894825, ClinGen allele CA340976.
Genomic context (GRCh38, chrX:71,224,411, plus strand): 5'-GGGCCTGTGCCCGCCGAGCCCAGCGCCGCTCCAATCCACCTTCCCGCAAGGGCTCGGGCT[T>G]CGGCCACCGCCTCTCACCTGAATACAAGCAGAATGAGATCAACAAGCTGCTGAGTGAGCA-3'
Protein context (NP_000157.1, residues 225-245): SNPPSRKGSG[Phe235Cys]GHRLSPEYKQ

ClinVar aggregate classification (germline): Conflicting classifications of pathogenicity. Review status: criteria provided, conflicting classifications (1 of 4 stars). 12 submissions from 12 submitters: Uncertain significance (1); Benign (3); Likely benign (5). 3 of the submissions do not count toward it. Last evaluated 2026-05-04.

Conditions:
Charcot-Marie-Tooth disease. Also called: Charcot-Marie-Tooth Hereditary Neuropathy; Charcot-Marie-Tooth Neuropathy. Identifiers: Orphanet 166, MedGen C0007959, MONDO:0015626.
Charcot-Marie-Tooth Neuropathy X. Identifiers: MedGen CN118851.
Inborn genetic diseases. Identifiers: MedGen C0950123, MeSH D030342.
Charcot-Marie-Tooth disease X-linked dominant 1. Also called: HEREDITARY MOTOR AND SENSORY NEUROPATHY, X-LINKED; HMSN, X-LINKED; X-linked Charcot-Marie-Tooth disease type 1; GJB1 Disorders: Charcot-Marie-Tooth Neuropathy (CMT1X) and Central Nervous System Phenotypes; CHARCOT-MARIE-TOOTH NEUROPATHY, X-LINKED, 1; CHARCOT-MARIE-TOOTH PERONEAL MUSCULAR ATROPHY, X-LINKED. Identifiers: Orphanet 101075, MedGen C0393808, MONDO:0010549, OMIM 302800.

Allele frequency attached by ClinVar (database versions not stated): gnomAD 0.00295 and 0.00280; 1000 Genomes Project 0.00265; TOPMed 0.00308; gnomAD exomes 0.00027 and 0.00073; ExAC 0.00106; 1000 Genomes Project 30x 0.00291.
gnomAD v4.1: 623 of 1,208,238 alleles (0.052%); highest among the groups gnomAD compares: African/African-American, 0.96%; 1 homozygote.

Submissions (12):

Women's Health and Genetics/Laboratory Corporation of America, LabCorp
Classification: Likely benign. Last evaluated: 2026-05-04. Review status: criteria provided, single submitter. Criteria: LabCorp Variant Classification Summary - May 2015. Collection method: clinical testing. Allele origin: germline.

Labcorp Genetics (formerly Invitae), Labcorp
Classification: Benign for Charcot-Marie-Tooth Neuropathy X. Last evaluated: 2026-02-01. Review status: criteria provided, single submitter. Criteria: Invitae Variant Classification Sherloc (09022015). Collection method: clinical testing. Allele origin: germline.

Athena Diagnostics
Classification: Benign. Last evaluated: 2024-06-25. Review status: criteria provided, single submitter. Criteria: Athena Diagnostics Criteria. Collection method: clinical testing. Allele origin: unknown.

GeneDx
Classification: Likely benign. Last evaluated: 2020-07-02. Review status: criteria provided, single submitter. Criteria: GeneDx Variant Classification Process June 2021. Collection method: clinical testing. Allele origin: germline. Affected: yes.
Comment: This variant is associated with the following publications: (PMID: 23871722, 22771394, 15852376, 21291455, 27066513, 12951564, 27228968, 9361298, 30340945)

Mendelics
Classification: Likely benign for Charcot-Marie-Tooth disease X-linked dominant 1. Last evaluated: 2019-05-28. Review status: criteria provided, single submitter. Criteria: Mendelics Assertion Criteria 2017. Collection method: clinical testing. Allele origin: unknown.

Illumina Laboratory Services, Illumina
Classification: Likely benign for Charcot-Marie-Tooth disease X-linked dominant 1. Last evaluated: 2017-04-28. Review status: criteria provided, single submitter. Criteria: ICSL Variant Classification Criteria 13 December 2019. Collection method: clinical testing. Allele origin: germline.
Comment: This variant was observed as part of a predisposition screen in an ostensibly healthy population. A literature search was performed for the gene, cDNA change, and amino acid change (where applicable). Publications were found based on this search. The evidence from the literature, in combination with allele frequency data from public databases where available, was sufficient to determine this variant is unlikely to cause disease. Therefore, this variant is classified as likely benign.

Eurofins Ntd Llc (ga)
Classification: Benign. Last evaluated: 2016-07-08. Review status: criteria provided, single submitter. Criteria: EGL Classification Definitions 2015. Collection method: clinical testing. Allele origin: germline. Observed: 1 variant allele, 1 heterozygote.

Ambry Genetics
Classification: Uncertain significance for Inborn genetic diseases. Last evaluated: 2014-07-25. Review status: criteria provided, single submitter. Criteria: Ambry Variant Classification Scheme 2023. Collection method: clinical testing. Allele origin: germline.
Comment: The p.F235C variant (also known as c.704T>G), located in coding exon 1 of the GJB1 gene, results from a T to G substitution at nucleotide position 704. The phenylalanine at codon 235 is replaced by cysteine, an amino acid with highly dissimilar properties.This variant, which occurs in the C-terminal domain, is purported to result in a gain of function activity and is associated with a severe and early onset form of Charcot-Marie-Tooth disease (Bone, LJ et al. Neurobiol Dis 1997;4:221-30, Kim, Y et al. Clin Genet 2012;81:142-149, Liang, GS et al. Ann Neurol 2005;57:749-754, Lin, GS et al. Ann NY Acad Sci 1999;883:481-4). This variant was previously reported in the SNPDatabase as rs104894825. Based on data from the 1000 Genomes Project, the G allele has an overall frequency of approximately 0% (0/503) total male alleles studied. Based on data from the NHLBI Exome Sequencing Project (ESP), the G allele has an overall frequency of approximately 0.16% (4/2443) total male alleles studied, having been observed in 0.7% (4/571) African American male alleles. This amino acid position is conserved in available mammalian species, but is not conserved from chicken down. In addition, the in silico prediction for this alteration is inconclusive. Since supporting evidence for this variant is conflicting at this time, the clinical significance of this variant remains unclear.

Breakthrough Genomics
Classification: Likely benign. Review status: criteria provided, single submitter. Criteria: ACMG Guidelines, 2015. Collection method: not provided. Allele origin: germline. Inheritance: X-linked inheritance. Affected: yes.

Natera, Inc.
Classification: Benign for Charcot-Marie-Tooth disease. Last evaluated: 2020-06-28. Review status: no assertion criteria provided. Collection method: clinical testing. Allele origin: germline. Not counted in ClinVar's aggregate classification.

OMIM
Classification: Pathogenic for CHARCOT-MARIE-TOOTH DISEASE, X-LINKED DOMINANT, 1. Last evaluated: 2005-05-01. Review status: no assertion criteria provided. Collection method: literature only. Allele origin: germline. Not counted in ClinVar's aggregate classification.

GeneReviews
No classification provided. Condition: Charcot-Marie-Tooth disease X-linked dominant 1. Review status: no classification provided. Collection method: literature only. Allele origin: unknown. Not counted in ClinVar's aggregate classification.

Literature cited by the submitters: PubMed 30340945 (cited by Athena Diagnostics); PubMed 35383424 (cited by Athena Diagnostics); PubMed 15852376 (cited by 3 submitters); PubMed 23871722 (cited by Athena Diagnostics and Illumina Laboratory Services, Illumina); PubMed 21291455 (cited by Illumina Laboratory Services, Illumina); PubMed 22771394 (cited by Illumina Laboratory Services, Illumina); PubMed 10586279 (cited by Illumina Laboratory Services, Illumina); PubMed 16079393 (cited by Illumina Laboratory Services, Illumina); PubMed 9361298 (cited by Illumina Laboratory Services, Illumina); PubMed 20128140 (cited by Illumina Laboratory Services, Illumina); PubMed 16476939 (cited by Illumina Laboratory Services, Illumina); PubMed 17353473 (cited by Illumina Laboratory Services, Illumina); PubMed 20301548 (cited by GeneReviews); NCBI Bookshelf NBK1374 (cited by GeneReviews).